The following is an entry in ClinVar:

ClinVar aggregate classification (germline): Likely benign. Review status: criteria provided, multiple submitters, no conflicts (2 of 4 stars). 4 submissions from 4 submitters: Likely benign (4). Last evaluated 2024-05-26.

Conditions:
Hereditary cancer-predisposing syndrome. Also called: Tumor predisposition; Hereditary Cancer Syndrome; Hereditary neoplastic syndrome; Neoplastic Syndromes, Hereditary. Identifiers: Orphanet 140162, MedGen C0027672, MeSH D009386, MONDO:0015356.
Hereditary breast ovarian cancer syndrome. Also called: Breast and ovarian cancer; Hereditary breast and/or ovarian cancer syndrome; BRCA1- and BRCA2-Associated Hereditary Breast and Ovarian Cancer; Hereditary breast and ovarian cancer syndrome; Hereditary breast and ovarian cancer syndrome (HBOC); Hereditary breast and ovarian cancer. Identifiers: Orphanet 145, MedGen C0677776, MeSH D061325, MONDO:0003582. Disease mechanism: loss of function.
Familial cancer of breast. Also called: BREAST CANCER, FAMILIAL; Hereditary breast cancer; hereditary breast carcinoma. Identifiers: Orphanet 227535, MedGen C0346153, MONDO:0016419, OMIM 114480. Disease mechanism: loss of function.
Breast-ovarian cancer, familial, susceptibility to, 1 (BROVCA1). Also called: BRCA1 Hereditary Breast and Ovarian Cancer; OVARIAN CANCER, SUSCEPTIBILITY TO. Identifiers: Orphanet 145, MedGen C2676676, MONDO:0011450, OMIM 604370. Disease mechanism: loss of function.
Fanconi anemia, complementation group S (FANCS). Identifiers: MedGen C4554406, MONDO:0054748, OMIM 617883.

Allele frequency attached by ClinVar (database versions not stated): gnomAD exomes 0.00001 and 0.00002; ExAC 0.00002.
gnomAD v4.1: 15 of 1,606,540 alleles (0.00093%); highest among the groups gnomAD compares: South Asian, 0.015%; no homozygotes.

Submissions (5):

Labcorp Genetics (formerly Invitae), Labcorp
Classification: Likely benign for Hereditary breast ovarian cancer syndrome. Last evaluated: 2024-05-26. Review status: criteria provided, single submitter. Criteria: Invitae Variant Classification Sherloc (09022015). Collection method: clinical testing. Allele origin: germline.

Department of Pathology and Laboratory Medicine, Sinai Health System
Classification: Likely benign for Familial cancer of breast; Breast-ovarian cancer, familial, susceptibility to, 1; Fanconi anemia, complementation group S. Last evaluated: 2023-03-09. Review status: criteria provided, single submitter. Criteria: ACMG Guidelines, 2015. Collection method: clinical testing. Allele origin: germline. Affected: yes.

Color Diagnostics, LLC DBA Color Health
Classification: Likely benign for Hereditary cancer-predisposing syndrome. Last evaluated: 2022-01-25. Review status: criteria provided, single submitter. Criteria: ACMG Guidelines, 2015. Collection method: clinical testing. Allele origin: germline.

GeneDx
Classification: Likely benign. Last evaluated: 2017-11-20. Review status: criteria provided, single submitter. Criteria: GeneDx Variant Classification (06012015). Collection method: clinical testing. Allele origin: germline. Affected: yes.
Comment: This variant is considered likely benign or benign based on one or more of the following criteria: it is a conservative change, it occurs at a poorly conserved position in the protein, it is predicted to be benign by multiple in silico algorithms, and/or has population frequency not consistent with disease.

Brotman Baty Institute, University of Washington
No classification provided (evidence only). Condition: Breast-ovarian cancer, familial 1. Review status: no classification provided. Collection method: in vitro. Allele origin: not applicable. Functional consequence: functionally_normal. Not counted in ClinVar's aggregate classification.
ClinVar note: "not provided" was previously submitted as the classification for the variant. However, the classification appeared to be based only on an observation of functional data so it was converted to no classification on 2025-07-30.

NM_007294.4(BRCA1):c.-10A>C

Gene: BRCA1 (BRCA1 DNA repair associated; minus strand). Cytogenetic location: 17q21.31.
Variant type: single nucleotide variant.
Coding change: c.-10A>C on transcript NM_007294.4 (MANE Select); 10 bases upstream of the start codon, A replaced by C.
Molecular consequence: 5 prime UTR variant. On other transcripts: non-coding transcript variant (1).
Genome position (GRCh38, 1-based): chr17:43,124,106, T>G on the plus strand (A>C on the coding strand, the complement: BRCA1 is on the minus strand). VCF-style: chr17-43124106-T-G. GRCh37 (hg19) VCF-style: chr17-41276123-T-G.
Other names: c.-198A>C (NM_001407571.1, NM_001407853.1, NM_001407879.1 and 42 more transcripts); c.-10A>C (NM_001407581.1, NM_001407582.1, NM_001407583.1 and 169 more transcripts); c.-267A>C (NM_001407694.1, NM_001407724.1, NM_001407727.1 and 11 more transcripts); c.-271A>C (NM_001407695.1, NM_001408465.1); c.-412A>C (NM_001407696.1); c.-296A>C (NM_001407697.1, NM_001407846.1, NM_001407920.1); c.-97A>C (NM_001407698.1, NM_001407732.1, NM_001407736.1 and 21 more transcripts); c.-270A>C (NM_001407725.1, NM_001407730.1, NM_001407734.1 and 22 more transcripts); and 8 more.
Identifiers: ClinVar variation 507346 (VCV000507346.18), dbSNP rs748057929, ClinGen allele CA052469.